The following is an entry in ClinVar:

ClinVar aggregate classification (germline): Uncertain significance (1 of 4 stars; one submission).

Conditions:
Brown-Vialetto-van Laere syndrome 1. Also called: BROWN-VIALETTO-VAN LAERE SYNDROME 1, MILD; BULBAR PALSY, PROGRESSIVE, WITH SENSORINEURAL DEAFNESS; PONTOBULBAR PALSY WITH DEAFNESS. Identifiers: Orphanet 572550, Orphanet 97229, MedGen C0796274, MONDO:0024537, OMIM 211530.

Allele frequency attached by ClinVar (database versions not stated): gnomAD 0.00001; gnomAD exomes 0.00002 and 0.00001.
gnomAD v4.1: 13 of 1,614,004 alleles (0.00081%); highest among the groups gnomAD compares: South Asian, 0.013%; no homozygotes.

Submission:

Labcorp Genetics (formerly Invitae), Labcorp
Classification: Uncertain significance for Brown-Vialetto-van Laere syndrome 1. Last evaluated: 2021-12-13. Review status: criteria provided, single submitter. Criteria: Invitae Variant Classification Sherloc (09022015). Collection method: clinical testing. Allele origin: germline.
Comment: This sequence change falls in intron 2 of the SLC52A3 gene. It does not directly change the encoded amino acid sequence of the SLC52A3 protein. It affects a nucleotide within the consensus splice site. This variant is present in population databases (no rsID available, gnomAD 0.01%). This variant has not been reported in the literature in individuals affected with SLC52A3-related conditions. Variants that disrupt the consensus splice site are a relatively common cause of aberrant splicing (PMID: 17576681, 9536098). Algorithms developed to predict the effect of sequence changes on RNA splicing suggest that this variant is not likely to affect RNA splicing. In summary, the available evidence is currently insufficient to determine the role of this variant in disease. Therefore, it has been classified as a Variant of Uncertain Significance.

Literature cited by the submitters: PubMed 17576681; PubMed 9536098.

NM_033409.4(SLC52A3):c.567+6C>T

Gene: SLC52A3 (solute carrier family 52 member 3; minus strand). Cytogenetic location: 20p13.
Variant type: single nucleotide variant.
Coding change: c.567+6C>T on transcript NM_033409.4 (MANE Select); 6 bases into the intron after coding-DNA position 567, C replaced by T.
Molecular consequence: intron variant.
Genome position (GRCh38, 1-based): chr20:765,202, G>A on the plus strand (C>T on the coding strand, the complement: SLC52A3 is on the minus strand). VCF-style: chr20-765202-G-A. GRCh37 (hg19) VCF-style: chr20-745846-G-A.
Other names: c.567+6C>T (NM_001370085.1, NM_001370086.1).
Identifiers: ClinVar variation 1407041 (VCV001407041.3), dbSNP rs1429255300, ClinGen allele CA634326122.